The following is an entry in ClinVar:

ClinVar aggregate classification (germline): Uncertain significance (1 of 4 stars; one submission).

Allele frequency attached by ClinVar (database versions not stated): gnomAD 0.00001; TOPMed 0.00003.
gnomAD v4.1: 28 of 1,613,772 alleles (0.0017%); highest among the groups gnomAD compares: Non-Finnish European, 0.0022%; no homozygotes.

Submission:

Labcorp Genetics (formerly Invitae), Labcorp
Classification: Uncertain significance. Last evaluated: 2023-02-20. Review status: criteria provided, single submitter. Criteria: Invitae Variant Classification Sherloc (09022015). Collection method: clinical testing. Allele origin: germline.
Comment: In summary, the available evidence is currently insufficient to determine the role of this variant in disease. Therefore, it has been classified as a Variant of Uncertain Significance. An algorithm developed to predict the effect of missense changes on protein structure and function (PolyPhen-2) suggests that this variant is likely to be disruptive. This variant has not been reported in the literature in individuals affected with HMCN1-related conditions. This variant is present in population databases (rs775664458, gnomAD 0.002%). This sequence change replaces glycine, which is neutral and non-polar, with serine, which is neutral and polar, at codon 5335 of the HMCN1 protein (p.Gly5335Ser).

NM_031935.3(HMCN1):c.16003G>A (p.Gly5335Ser)

Gene: HMCN1 (hemicentin 1; plus strand). Cytogenetic location: 1q31.1.
Variant type: single nucleotide variant.
Coding change: c.16003G>A on transcript NM_031935.3 (MANE Select); coding-DNA position 16003, G replaced by A.
Protein change: p.Gly5335Ser; replaces glycine 5335 with serine.
Molecular consequence: missense variant.
Genome position (GRCh38, 1-based): chr1:186,178,475, G>A. VCF-style: chr1-186178475-G-A. GRCh37 (hg19) VCF-style: chr1-186147607-G-A.
Other names: short protein forms G5335S.
Identifiers: ClinVar variation 2882999 (VCV002882999.3), dbSNP rs775664458, ClinGen allele CA33507387.